The following is an entry in ClinVar:

ClinVar aggregate classification (germline): Likely benign (1 of 4 stars; one submission).

Allele frequency attached by ClinVar (database versions not stated): ESP Exome Variant Server 0.00270; gnomAD 0.00284 and 0.00414; TOPMed 0.00326; gnomAD exomes 0.00438 and 0.00776; ExAC 0.00897; 1000 Genomes Project 0.01677; 1000 Genomes Project 30x 0.01686.
gnomAD v4.1: 7,110 of 1,612,514 alleles (0.44%); highest among the groups gnomAD compares: South Asian, 4%; 123 homozygotes.

Submission:

Center for Pediatric Genomic Medicine, Children's Mercy Hospital and Clinics
Classification: Likely benign. Last evaluated: 2017-01-24. Review status: criteria provided, single submitter. Criteria: ACMG Guidelines, 2015. Collection method: clinical testing. Allele origin: germline.
ClinVar note: Converted during submission from Likely Benign to Likely benign.

NM_198689.3(KRTAP10-7):c.46G>A (p.Gly16Ser)

Genes: KRTAP10-7 (keratin associated protein 10-7; plus strand), TSPEAR (thrombospondin type laminin G domain and EAR repeats; minus strand). Cytogenetic location: 21q22.3.
Variant type: single nucleotide variant.
Coding change: c.46G>A on transcript NM_198689.3 (MANE Select); coding-DNA position 46, G replaced by A.
Protein change: p.Gly16Ser; replaces glycine 16 with serine.
Molecular consequence: missense variant. On other transcripts: intron variant (2).
Genome position (GRCh38, 1-based): chr21:44,600,667, G>A. VCF-style: chr21-44600667-G-A. GRCh37 (hg19) VCF-style: chr21-46020567-G-A.
Other names: c.83-32662C>T (NM_144991.3); c.-122-32662C>T (NM_001272037.2); short protein forms G16S.
Identifiers: ClinVar variation 377277 (VCV000377277.4), dbSNP rs200384147, ClinGen allele CA10059387.
Genomic context (GRCh38, chr21:44,600,667, plus strand): 5'-AGTTCAATCCCCAGCATGGCTGCGTCCACTATGTCTGTCTGCTCCAGCGACCTGAGCTAC[G>A]GCAGCCGCGTCTGCCTTCCTGGTTCCTGTGACTCTTGCTCCGACTCCTGGCAGGTGGACG-3'
Protein context (NP_941962.1, residues 6-26): MSVCSSDLSY[Gly16Ser]SRVCLPGSCD